The following is an entry in ClinVar:

ClinVar aggregate classification (germline): Likely benign (1 of 4 stars; one submission).

Conditions:
ARF1-related disorder. Also called: ARF1-related condition.

gnomAD v4.1: 15 of 1,606,674 alleles (0.00093%); highest among the groups gnomAD compares: Admixed American, 0.0034%; no homozygotes.

Submission:

PreventionGenetics, part of Exact Sciences
Classification: Likely benign for ARF1-related condition. Last evaluated: 2026-05-07. Review status: criteria provided, single submitter. Criteria: ACMG Guidelines, 2015. Collection method: clinical testing. Allele origin: germline.
Comment: This variant is classified as likely benign based on ACMG/AMP sequence variant interpretation guidelines (Richards et al. 2015 PMID: 25741868, with internal and published modifications).

NM_001658.4(ARF1):c.*7C>T

Genes: ARF1 (ARF GTPase 1; plus strand), LOC126806039 (CDK7 strongly-dependent group 2 enhancer GRCh37_chr1:228284937-228286136; plus strand). Cytogenetic location: 1q42.13.
Variant type: single nucleotide variant.
Coding change: c.*7C>T on transcript NM_001658.4 (MANE Select); 7 bases downstream of the stop codon, C replaced by T.
Molecular consequence: 3 prime UTR variant.
Genome position (GRCh38, 1-based): chr1:228,098,020, C>T. VCF-style: chr1-228098020-C-T. GRCh37 (hg19) VCF-style: chr1-228285721-C-T.
Other names: c.*7C>T (NM_001024226.2, NM_001024227.1, NM_001024228.2).
Identifiers: ClinVar variation 4978158 (VCV004978158.1).